The following is an entry in ClinVar:

ClinVar aggregate classification (germline): Likely pathogenic. Review status: criteria provided, single submitter (1 of 4 stars). 2 submissions from 2 submitters: Likely pathogenic (1). 1 of the submissions does not count toward it. Last evaluated 2025-10-29.

Conditions:
Hereditary cancer-predisposing syndrome. Also called: Neoplastic Syndromes, Hereditary; Tumor predisposition; Hereditary neoplastic syndrome; Hereditary Cancer Syndrome. Identifiers: Orphanet 140162, MedGen C0027672, MeSH D009386, MONDO:0015356.
Breast neoplasm. Also called: Neoplasm of breast; Breast Neoplasms; Neoplasm of the breast; Breast tumor. Identifiers: MedGen C1458155, MeSH D001943, MONDO:0021100, HP:0100013. Disease mechanism: gain of function.

Submissions (2):

Ambry Genetics
Classification: Likely pathogenic for Hereditary cancer-predisposing syndrome. Last evaluated: 2025-10-29. Review status: criteria provided, single submitter. Criteria: Ambry Variant Classification Scheme 2023. Collection method: clinical testing. Allele origin: germline.
Comment: The c.1504delG variant, located in coding exon 13 of the CHEK2 gene, results from a deletion of one nucleotide at nucleotide position 1504, causing a translational frameshift with a predicted alternate stop codon (p.E502Kfs*11). This alteration occurs at the 3' terminus of the gene, is not expected to trigger nonsense-mediated mRNA decay, and impacts the last 7% of the protein. However, premature stop codons are typically deleterious in nature and a significant portion of the protein is affected (Ambry internal data). This variant is considered to be rare based on population cohorts in the Genome Aggregation Database (gnomAD). Based on the majority of available evidence to date, this variant is likely to be pathogenic.

Institute of Human Genetics, University of Wuerzburg
Classification: Likely pathogenic for Breast neoplasm. Review status: no assertion criteria provided. Collection method: clinical testing. Allele origin: unknown. Not counted in ClinVar's aggregate classification.

NM_007194.4(CHEK2):c.1504del (p.Glu502fs)

Gene: CHEK2 (checkpoint kinase 2; minus strand). Cytogenetic location: 22q12.1.
Variant type: Deletion.
Coding change: c.1504del on transcript NM_007194.4 (MANE Select); coding-DNA position 1504, one base deleted (G; older notation c.1504delG).
Protein change: p.Glu502fs; shifts the reading frame from glutamic acid 502.
Molecular consequence: frameshift variant.
Genome position (GRCh38, 1-based): chr22:28,689,173, C deleted on the plus strand (G on the coding strand, the reverse complement: CHEK2 is on the minus strand); the first of 2 consecutive C bases (chr22:28,689,173-28,689,174); deleting either gives the same sequence. VCF-style (leftmost placement, unchanged base first): chr22-28689172-TC-T. GRCh37 (hg19) VCF-style: chr22-29085160-TC-T.
Other names: c.1632delG, p.Glu545Lysfs (NM_001005735.3); c.840delG, p.Glu281Lysfs (NM_001257387.3); c.1302delG, p.Glu435Lysfs (NM_001349956.3); c.1416delG, p.Glu473Lysfs (NM_145862.3); c.1504delG (NM_007194.3); short protein forms E281fs, E435fs, E473fs, E502fs, E545fs.
Identifiers: ClinVar variation 689558 (VCV000689558.2), dbSNP rs1601702086, ClinGen allele CA915952834.